The following is an entry in ClinVar:

NM_015100.4(POGZ):c.3312del (p.Phe1104fs)

Gene: POGZ (pogo transposable element derived with ZNF domain; minus strand). Cytogenetic location: 1q21.3.
Variant type: Deletion.
Coding change: c.3312del on transcript NM_015100.4 (MANE Select); coding-DNA position 3312, one base deleted (C; older notation c.3312delC).
Protein change: p.Phe1104fs; shifts the reading frame from phenylalanine 1104.
Molecular consequence: frameshift variant.
Genome position (GRCh38, 1-based): chr1:151,405,723, G deleted on the plus strand (C on the coding strand, the reverse complement: POGZ is on the minus strand). VCF-style (leftmost placement, unchanged base first): chr1-151405722-TG-T. GRCh37 (hg19) VCF-style: chr1-151378198-TG-T.
Other names: c.3285del, p.Phe1095fs (NM_001194937.2); c.3126del, p.Phe1042fs (NM_001194938.2); c.3027del, p.Phe1009fs (NM_145796.4); c.3153del, p.Phe1051fs (NM_207171.2); short protein forms F1009fs, F1042fs, F1051fs, F1095fs, F1104fs.
Identifiers: ClinVar variation 1184127 (VCV001184127.2), dbSNP rs2102145521, ClinGen allele CA2499214173.

ClinVar aggregate classification (germline): Pathogenic. Review status: criteria provided, multiple submitters, no conflicts (2 of 4 stars). 2 submissions from 2 submitters: Pathogenic (2). Last evaluated 2024-11-11.

Submissions (2):

GeneDx
Classification: Pathogenic. Last evaluated: 2024-11-11. Review status: criteria provided, single submitter. Criteria: GeneDx Variant Classification Process June 2021. Collection method: clinical testing. Allele origin: germline. Affected: yes.
Comment: Frameshift variant predicted to result in abnormal protein length as the last 307 amino acid(s) are replaced with 17 different amino acid(s), and other similar variants have been reported in HGMD; Not observed at significant frequency in large population cohorts (gnomAD); This variant is associated with the following publications: (PMID: 35821784, 33277917)

Laboratoire Génétique Moléculaire, CHRU TOURS
Classification: Pathogenic. Last evaluated: 2018-12-17. Review status: criteria provided, single submitter. Criteria: ACMG Guidelines, 2015. Collection method: clinical testing. Allele origin: de novo. Affected: yes.